The following is an entry in ClinVar:

NM_030773.4(TUBB1):c.624T>A (p.Tyr208Ter)

Gene: TUBB1 (tubulin beta 1 class VI; plus strand). Cytogenetic location: 20q13.32.
Variant type: single nucleotide variant.
Coding change: c.624T>A on transcript NM_030773.4 (MANE Select); coding-DNA position 624, T replaced by A.
Protein change: p.Tyr208Ter; replaces tyrosine 208 with a stop codon.
Molecular consequence: nonsense.
Genome position (GRCh38, 1-based): chr20:59,024,051, T>A. VCF-style: chr20-59024051-T-A. GRCh37 (hg19) VCF-style: chr20-57599106-T-A.
Other names: short protein forms Y208*.
Identifiers: ClinVar variation 1698773 (VCV001698773.2), dbSNP rs2146377060, ClinGen allele CA409467322.

ClinVar aggregate classification (germline): Pathogenic (1 of 4 stars; one submission).

Conditions:
Macrothrombocytopenia and granulocyte inclusions with or without nephritis or sensorineural hearing loss (MATINS). Also called: BLEEDING DISORDER, PLATELET-TYPE, 6; MAY-HEGGLIN ANOMALY; DOHLE LEUKOCYTE INCLUSIONS WITH GIANT PLATELETS; MACROTHROMBOCYTOPENIA WITH LEUKOCYTE INCLUSIONS; SEBASTIAN PLATELET SYNDROME; MACROTHROMBOCYTOPENIA WITH DISPERSED LEUKOCYTIC INCLUSIONS. Identifiers: Orphanet 182050, MedGen C5200934, MONDO:0015912, OMIM 155100.

gnomAD v4.1: 21 of 1,614,216 alleles (0.0013%); highest among the groups gnomAD compares: Non-Finnish European, 0.0018%; no homozygotes.

Submission:

Genetics and Molecular Pathology, SA Pathology
Classification: Pathogenic for Macrothrombocytopenia and granulocyte inclusions with or without nephritis or sensorineural hearing loss. Last evaluated: 2019-09-23. Review status: criteria provided, single submitter. Criteria: ACMG Guidelines, 2015. Collection method: clinical testing. Allele origin: germline. Affected: yes.
Comment: The TUBB1 c.624T>A variant is classified as Pathogenic (PVS1, PM2) The TUBB1 c.624T>A variant is a single nucleotide change which is predicted to result in premature termination of the protein product at codon 208. This variant is absent from population databases (PM2).